The following is an entry in ClinVar:

ClinVar aggregate classification (germline): Likely pathogenic. Review status: criteria provided, single submitter (1 of 4 stars). 2 submissions from 2 submitters: Likely pathogenic (1). 1 of the submissions does not count toward it. Last evaluated 2021-01-09.

Conditions:
Gaze palsy, familial horizontal, with progressive scoliosis 1 (HGPPS1). Identifiers: Orphanet 2744, MedGen C4551964, MONDO:0020790, OMIM 607313.

Submissions (2):

Institute of Human Genetics, University of Leipzig Medical Center
Classification: Likely pathogenic for Gaze palsy, familial horizontal, with progressive scoliosis 1. Last evaluated: 2021-01-09. Review status: criteria provided, single submitter. Criteria: ACMG Guidelines, 2015. Collection method: curation. Allele origin: germline. Affected: yes.
Comment: This ROBO3 variant was reported as Pathogenicâ€‹ in PMID: 15105459 with original nomenclature reported as 1082G>A, G361E. Variant was re-classified as Likely Pathogenic based on the criteria PM2_Supporting, PM3_Moderate, PP3_Supporting, PP4_Supporting.

OMIM
Classification: Pathogenic for GAZE PALSY, FAMILIAL HORIZONTAL, WITH PROGRESSIVE SCOLIOSIS 1. Last evaluated: 2004-06-04. Review status: no assertion criteria provided. Collection method: literature only. Allele origin: germline. Not counted in ClinVar's aggregate classification.

Literature cited by the submitters: PubMed 15105459 (cited by Institute of Human Genetics, University of Leipzig Medical Center and OMIM).

NM_022370.4(ROBO3):c.1082G>A (p.Gly361Glu)

Gene: ROBO3 (roundabout guidance receptor 3; plus strand). Cytogenetic location: 11q24.2.
Variant type: single nucleotide variant.
Coding change: c.1082G>A on transcript NM_022370.4 (MANE Select); coding-DNA position 1082, G replaced by A.
Protein change: p.Gly361Glu; replaces glycine 361 with glutamic acid.
Molecular consequence: missense variant.
Genome position (GRCh38, 1-based): chr11:124,871,062, G>A. VCF-style: chr11-124871062-G-A. GRCh37 (hg19) VCF-style: chr11-124740958-G-A.
Other names: short protein forms G361E.
Identifiers: ClinVar variation 2172 (VCV000002172.3), dbSNP rs121918270, ClinGen allele CA115383.
Genomic context (GRCh38, chr11:124,871,062, plus strand): 5'-TGCCCTTCCCAGTCCCACCCCAGTTGGTGACCCAGCCCCAGGACCAGATGGCAGCTCCTG[G>A]AGAGAGCGTGGCTTTCCAGTGCGAGACCAAAGGAAACCCCCCACCTGCCATCTTCTGGCA-3'
Protein context (NP_071765.2, residues 351-371): TQPQDQMAAP[Gly361Glu]ESVAFQCETK